The following is an entry in ClinVar:

NM_006059.4(LAMC3):c.3814G>A (p.Ala1272Thr)

Gene: LAMC3 (laminin subunit gamma 3; plus strand). Cytogenetic location: 9q34.12.
Variant type: single nucleotide variant.
Coding change: c.3814G>A on transcript NM_006059.4 (MANE Select); coding-DNA position 3814, G replaced by A.
Protein change: p.Ala1272Thr; replaces alanine 1272 with threonine.
Molecular consequence: missense variant.
Genome position (GRCh38, 1-based): chr9:131,079,185, G>A. VCF-style: chr9-131079185-G-A. GRCh37 (hg19) VCF-style: chr9-133954572-G-A.
Other names: short protein forms A1272T.
Identifiers: ClinVar variation 1448001 (VCV001448001.7), dbSNP rs2133339413, ClinGen allele CA375262665.

ClinVar aggregate classification (germline): Uncertain significance (1 of 4 stars; one submission).

Submission:

Labcorp Genetics (formerly Invitae), Labcorp
Classification: Uncertain significance. Last evaluated: 2025-02-10. Review status: criteria provided, single submitter. Criteria: Invitae Variant Classification Sherloc (09022015). Collection method: clinical testing. Allele origin: germline.
Comment: This sequence change replaces alanine, which is neutral and non-polar, with threonine, which is neutral and polar, at codon 1272 of the LAMC3 protein (p.Ala1272Thr). This variant is not present in population databases (gnomAD no frequency). This variant has not been reported in the literature in individuals affected with LAMC3-related conditions. ClinVar contains an entry for this variant (Variation ID: 1448001). An algorithm developed to predict the effect of missense changes on protein structure and function (PolyPhen-2) suggests that this variant is likely to be tolerated. In summary, the available evidence is currently insufficient to determine the role of this variant in disease. Therefore, it has been classified as a Variant of Uncertain Significance.